The following is an entry in ClinVar:

ClinVar aggregate classification (germline): Likely benign. Review status: criteria provided, multiple submitters, no conflicts (2 of 4 stars). 2 submissions from 2 submitters: Likely benign (2). Last evaluated 2025-09-02.

Allele frequency attached by ClinVar (database versions not stated): TOPMed 0.00012; gnomAD exomes 0.00013 and 0.00015; ExAC 0.00023; gnomAD 0.00019 and 0.00020.
gnomAD v4.1: 240 of 1,536,902 alleles (0.016%); highest among the groups gnomAD compares: Non-Finnish European, 0.017%; 1 homozygote.

Submissions (2):

Labcorp Genetics (formerly Invitae), Labcorp
Classification: Likely benign. Last evaluated: 2025-09-02. Review status: criteria provided, single submitter. Criteria: Invitae Variant Classification Sherloc (09022015). Collection method: clinical testing. Allele origin: germline.

CeGaT Center for Human Genetics Tuebingen
Classification: Likely benign. Last evaluated: 2024-08-01. Review status: criteria provided, single submitter. Criteria: CeGaT Center For Human Genetics Tuebingen Variant Classification Criteria Version 2. Collection method: clinical testing. Allele origin: germline. Affected: yes. Observed: 2 variant alleles.
Comment: PIEZO2: BP4, BP7

NM_001378183.1(PIEZO2):c.751T>C (p.Leu251=)

Gene: PIEZO2 (piezo type mechanosensitive ion channel component 2; minus strand). Cytogenetic location: 18p11.22.
Variant type: single nucleotide variant.
Coding change: c.751T>C on transcript NM_001378183.1 (MANE Select); coding-DNA position 751, T replaced by C.
Protein change: p.Leu251=; no amino-acid change (leucine 251 retained).
Molecular consequence: synonymous variant.
Genome position (GRCh38, 1-based): chr18:10,855,519, A>G on the plus strand (T>C on the coding strand, the complement: PIEZO2 is on the minus strand). VCF-style: chr18-10855519-A-G. GRCh37 (hg19) VCF-style: chr18-10855517-A-G.
Other names: c.751T>C, p.Leu251= (NM_022068.4).
Identifiers: ClinVar variation 726170 (VCV000726170.33), dbSNP rs773154803, ClinGen allele CA8892815.